The following is an entry in ClinVar:

NM_005475.3(SH2B3):c.898G>A (p.Ala300Thr)

Gene: SH2B3 (SH2B adaptor protein 3; plus strand). Cytogenetic location: 12q24.12.
Variant type: single nucleotide variant.
Coding change: c.898G>A on transcript NM_005475.3 (MANE Select); coding-DNA position 898, G replaced by A.
Protein change: p.Ala300Thr; replaces alanine 300 with threonine.
Molecular consequence: missense variant.
Genome position (GRCh38, 1-based): chr12:111,447,005, G>A. VCF-style: chr12-111447005-G-A. GRCh37 (hg19) VCF-style: chr12-111884809-G-A.
Other names: c.292G>A, p.Ala98Thr (NM_001291424.1); short protein forms A300T, A98T.
Identifiers: ClinVar variation 3388949 (VCV003388949.15).

ClinVar aggregate classification (germline): Uncertain significance. Review status: criteria provided, multiple submitters, no conflicts (2 of 4 stars). 2 submissions from 2 submitters: Uncertain significance (2). Last evaluated 2024-10-02.

Conditions:
Inborn genetic diseases. Identifiers: MedGen C0950123, MeSH D030342.

gnomAD v4.1: 6 of 1,613,956 alleles (0.00037%); highest among the groups gnomAD compares: Non-Finnish European, 0.00042%; no homozygotes.

Submissions (2):

Ambry Genetics
Classification: Uncertain significance for Inborn genetic diseases. Last evaluated: 2024-10-02. Review status: criteria provided, single submitter. Criteria: Ambry Variant Classification Scheme 2023. Collection method: clinical testing. Allele origin: germline.
Comment: The p.A300T variant (also known as c.898G>A), located in coding exon 3 of the SH2B3 gene, results from a G to A substitution at nucleotide position 898. The alanine at codon 300 is replaced by threonine, an amino acid with similar properties. This amino acid position is conserved. In addition, this alteration is predicted to be tolerated by in silico analysis. Based on the available evidence, the clinical significance of this variant remains unclear.

CeGaT Center for Human Genetics Tuebingen
Classification: Uncertain significance. Last evaluated: 2024-10-01. Review status: criteria provided, single submitter. Criteria: CeGaT Center For Human Genetics Tuebingen Variant Classification Criteria Version 2. Collection method: clinical testing. Allele origin: germline. Affected: yes. Observed: 1 variant allele.
Comment: SH2B3: PM2, BP4